The following is an entry in ClinVar:

NM_000458.4(HNF1B):c.1086CTC[1] (p.Ser364del)

Gene: HNF1B (HNF1 homeobox B; minus strand). Cytogenetic location: 17q12.
Variant type: Microsatellite.
Coding change: c.1086CTC[1] on transcript NM_000458.4 (MANE Select); one copy of the 3-base unit CTC starting at c.1086; the reference has two copies in a row; one copy, 3 bases deleted.
Protein change: p.Ser364del; deletes serine 364.
Molecular consequence: inframe deletion.
Genome position (GRCh38, 1-based): chr17:37,710,618-37,710,620, GAG deleted on the plus strand (CTC on the coding strand, the reverse complement: HNF1B is on the minus strand); deleting any 3 consecutive bases within chr17:37,710,618-37,710,625 gives the same sequence; the position shown is the placement nearest the transcript's 3' end. VCF-style (leftmost placement, unchanged base first): chr17-37710617-TGAG-T. GRCh37 (hg19) VCF-style: chr17-36070625-TGAG-T.
Other names: c.1008CTC[1], p.Ser338del (NM_001165923.4, NM_001304286.2); c.1086CTC[1], p.Ser364del (NM_001411100.1); short protein forms S338del, S364del.
Identifiers: ClinVar variation 5038070 (VCV005038070.1).

ClinVar aggregate classification (germline): Uncertain significance (1 of 4 stars; one submission).

Conditions:
Renal cysts and diabetes syndrome (RCAD). Also called: MATURITY-ONSET DIABETES OF THE YOUNG, TYPE 5; Familial hypoplastic, glomerulocystic kidney. Identifiers: Orphanet 93111, MedGen C0431693, MONDO:0007669, OMIM 137920.

Submission:

MVZ Medizinische Genetik Mainz
Classification: Uncertain significance for Renal cysts and diabetes syndrome. Last evaluated: 2026-06-09. Review status: criteria provided, single submitter. Criteria: UK Practice Guidelines For Variant Classification V4 01 2020. Collection method: clinical testing. Allele origin: germline. Inheritance: Autosomal dominant inheritance. Affected: yes. Observed: 1 variant allele.
Comment: ACMG Criteria: PM2_SUP,PM4_SUP